The following is an entry in ClinVar:

NM_001022.4(RPS19):c.105dup (p.Thr36fs)

Genes: RPS19 (ribosomal protein S19; plus strand), RPS19-CD79A (RPS19-CD79A readthrough; plus strand). Cytogenetic location: 19q13.2.
Variant type: Duplication.
Coding change: c.105dup on transcript NM_001022.4 (MANE Select); coding-DNA position 105, one base duplicated (T; older notation c.105dupT).
Protein change: p.Thr36fs; shifts the reading frame from threonine 36.
Molecular consequence: frameshift variant.
Genome position (GRCh38, 1-based): chr19:41,861,145, T duplicated. VCF-style (leftmost placement, unchanged base first): chr19-41861144-A-AT. GRCh37 (hg19) VCF-style: chr19-42365213-A-AT.
Other names: c.105dup, p.Thr36fs (NM_001321483.2, NM_001321484.2, NM_001321485.2); short protein forms T36fs.
Identifiers: ClinVar variation 418695 (VCV000418695.2), dbSNP rs1555839154, ClinGen allele CA16620853.

ClinVar aggregate classification (germline): Pathogenic (1 of 4 stars; one submission).

Submission:

GeneDx
Classification: Pathogenic. Last evaluated: 2015-03-10. Review status: criteria provided, single submitter. Criteria: GeneDx Variant Classification (06012015). Collection method: clinical testing. Allele origin: germline. Affected: yes.
Comment: This duplication is predicted to cause loss of normal protein function either through protein truncation or nonsense-mediated mRNA decay. Although this variant has not been previously reported to our knowledge, we interpret it to be pathogenic.